The following is an entry in ClinVar:

ClinVar aggregate classification (germline): Uncertain significance (1 of 4 stars; one submission).

gnomAD v4.1: 1 of 1,613,968 alleles (0.000062%); highest among the groups gnomAD compares: Non-Finnish European, 0.000085%; no homozygotes.

Submission:

Ambry Genetics
Classification: Uncertain significance. Last evaluated: 2024-05-08. Review status: criteria provided, single submitter. Criteria: Ambry Variant Classification Scheme 2023. Collection method: clinical testing. Allele origin: germline.
Comment: The p.D1612G variant (also known as c.4835A>G), located in coding exon 16 of the POLQ gene, results from an A to G substitution at nucleotide position 4835. The aspartic acid at codon 1612 is replaced by glycine, an amino acid with similar properties. This amino acid position is conserved. In addition, this alteration is predicted to be tolerated by in silico analysis. Based on the available evidence, the clinical significance of this variant remains unclear.

NM_199420.4(POLQ):c.4835A>G (p.Asp1612Gly)

Gene: POLQ (DNA polymerase theta; minus strand). Cytogenetic location: 3q13.33.
Variant type: single nucleotide variant.
Coding change: c.4835A>G on transcript NM_199420.4 (MANE Select); coding-DNA position 4835, A replaced by G.
Protein change: p.Asp1612Gly; replaces aspartic acid 1612 with glycine.
Molecular consequence: missense variant.
Genome position (GRCh38, 1-based): chr3:121,488,096, T>C on the plus strand (A>G on the coding strand, the complement: POLQ is on the minus strand). VCF-style: chr3-121488096-T-C. GRCh37 (hg19) VCF-style: chr3-121206943-T-C.
Other names: short protein forms D1612G.
Identifiers: ClinVar variation 3308676 (VCV003308676.1).